The following is an entry in ClinVar:

NM_033453.4(ITPA):c.106G>A (p.Val36Met)

Gene: ITPA (inosine triphosphatase; plus strand). Cytogenetic location: 20p13.
Variant type: single nucleotide variant.
Coding change: c.106G>A on transcript NM_033453.4 (MANE Select); coding-DNA position 106, G replaced by A.
Protein change: p.Val36Met; replaces valine 36 with methionine.
Molecular consequence: missense variant. On other transcripts: 5 prime UTR variant (1), non-coding transcript variant (2), intron variant (4).
Genome position (GRCh38, 1-based): chr20:3,213,208, G>A. VCF-style: chr20-3213208-G-A. GRCh37 (hg19) VCF-style: chr20-3193854-G-A.
Other names: c.-232G>A (NM_001324237.2); c.106G>A, p.Val36Met (NM_001324240.2); c.55G>A, p.Val19Met (NM_181493.4); c.-274-50G>A (NM_001324238.2, NM_001324236.2, NM_001351739.2); c.67-777G>A (NM_001267623.2); short protein forms V19M, V36M.
Identifiers: ClinVar variation 1492687 (VCV001492687.8), dbSNP rs1476134616, ClinGen allele CA408076751.

ClinVar aggregate classification (germline): Uncertain significance (1 of 4 stars; one submission).

Conditions:
Inosine triphosphatase deficiency. Also called: INOSINE TRIPHOSPHATE PYROPHOSPHOHYDROLASE DEFICIENCY. Identifiers: MedGen C0342800, MONDO:0013461, OMIM 613850.

Allele frequency attached by ClinVar (database versions not stated): gnomAD exomes below 0.00001.
gnomAD v4.1: 1 of 1,614,174 alleles (0.000062%); highest among the groups gnomAD compares: South Asian, 0.0011%; no homozygotes.

Submission:

Labcorp Genetics (formerly Invitae), Labcorp
Classification: Uncertain significance for Inosine triphosphatase deficiency. Last evaluated: 2023-12-11. Review status: criteria provided, single submitter. Criteria: Invitae Variant Classification Sherloc (09022015). Collection method: clinical testing. Allele origin: germline.
Comment: This sequence change replaces valine, which is neutral and non-polar, with methionine, which is neutral and non-polar, at codon 36 of the ITPA protein (p.Val36Met). This variant is not present in population databases (gnomAD no frequency). This variant has not been reported in the literature in individuals affected with ITPA-related conditions. ClinVar contains an entry for this variant (Variation ID: 1492687). An algorithm developed to predict the effect of missense changes on protein structure and function (PolyPhen-2) suggests that this variant is likely to be disruptive. In summary, the available evidence is currently insufficient to determine the role of this variant in disease. Therefore, it has been classified as a Variant of Uncertain Significance.